The following is an entry in ClinVar:

NM_024417.5(FDXR):c.348C>T (p.Asp116=)

Gene: FDXR (ferredoxin reductase; minus strand). Cytogenetic location: 17q25.1.
Variant type: single nucleotide variant.
Coding change: c.348C>T on transcript NM_024417.5 (MANE Select); coding-DNA position 348, C replaced by T.
Protein change: p.Asp116=; no amino-acid change (aspartic acid 116 retained).
Molecular consequence: synonymous variant. On other transcripts: non-coding transcript variant (1), intron variant (1).
Genome position (GRCh38, 1-based): chr17:74,866,491, G>A on the plus strand (C>T on the coding strand, the complement: FDXR is on the minus strand). VCF-style: chr17-74866491-G-A. GRCh37 (hg19) VCF-style: chr17-72862613-G-A.
Other names: c.477C>T, p.Asp159= (NM_001258012.4); c.441C>T, p.Asp147= (NM_001258013.4); c.324C>T, p.Asp108= (NM_001258014.4); c.192C>T, p.Asp64= (NM_001258016.3); c.348C>T, p.Asp116= (NM_004110.6); c.274-247C>T (NM_001258015.3).
Identifiers: ClinVar variation 3034743 (VCV003034743.17), dbSNP rs7223627, ClinGen allele CA8753255.

ClinVar aggregate classification (germline): Likely benign. Review status: criteria provided, multiple submitters, no conflicts (2 of 4 stars). 3 submissions from 3 submitters: Likely benign (2). 1 of the submissions does not count toward it. Last evaluated 2026-08-01.

Conditions:
FDXR-related disorder. Also called: FDXR-related condition; FDXR-related disorders.

Allele frequency attached by ClinVar (database versions not stated): gnomAD exomes 0.00128; ExAC 0.00155; 1000 Genomes Project 0.00220; 1000 Genomes Project 30x 0.00234; gnomAD 0.00277; ESP Exome Variant Server 0.00323; TOPMed 0.00359.
gnomAD v4.1: 2,292 of 1,613,704 alleles (0.14%); highest among the groups gnomAD compares: African/African-American, 0.72%; 6 homozygotes.

Submissions (3):

CeGaT Center for Human Genetics Tuebingen
Classification: Likely benign. Last evaluated: 2026-08-01. Review status: criteria provided, single submitter. Criteria: CeGaT Center For Human Genetics Tuebingen Variant Classification Criteria Version 2. Collection method: clinical testing. Allele origin: germline. Affected: yes. Observed: 5 variant alleles.
Comment: FDXR: BP4, BP7

Blueprint Genetics
Classification: Likely benign. Last evaluated: 2024-11-26. Review status: criteria provided, single submitter. Criteria: ACMG Guidelines, 2015. Collection method: clinical testing. Allele origin: germline.

PreventionGenetics, part of Exact Sciences
Classification: Benign for FDXR-related condition. Last evaluated: 2022-11-29. Review status: no assertion criteria provided. Collection method: clinical testing. Allele origin: germline. Not counted in ClinVar's aggregate classification.
Comment: This variant is classified as benign based on ACMG/AMP sequence variant interpretation guidelines (Richards et al. 2015 PMID: 25741868, with internal and published modifications).